The following is an entry in ClinVar:

NM_000414.4(HSD17B4):c.277del (p.Arg92_Ile93insTer)

Gene: HSD17B4 (hydroxysteroid 17-beta dehydrogenase 4; plus strand). Cytogenetic location: 5q23.1.
Variant type: Deletion.
Coding change: c.277del on transcript NM_000414.4 (MANE Select); coding-DNA position 277, one base deleted (A; older notation c.277delA).
Protein change: p.Arg92_Ile93insTer.
Molecular consequence: nonsense. On other transcripts: 5 prime UTR variant (6), non-coding transcript variant (2).
Genome position (GRCh38, 1-based): chr5:119,474,457, A deleted; the last of 2 consecutive A bases (chr5:119,474,456-119,474,457); deleting either gives the same sequence. VCF-style (leftmost placement, unchanged base first): chr5-119474455-GA-G. GRCh37 (hg19) VCF-style: chr5-118810150-GA-G.
Other names: c.352del, p.Arg117_Ile118insTer (NM_001199291.3); c.223del, p.Arg74_Ile75insTer (NM_001199292.2); c.205del, p.Arg68_Ile69insTer (NM_001292027.2); c.-135del (NM_001292028.2, NM_001374501.1, NM_001374502.1 and 1 more transcripts); c.277del, p.Arg92_Ile93insTer (NM_001374497.1, NM_001374498.1); c.-4del (NM_001374499.1); c.-262del (NM_001374500.1).
Identifiers: ClinVar variation 4818350 (VCV004818350.1).

ClinVar aggregate classification (germline): Likely pathogenic (1 of 4 stars; one submission).

Conditions:
Bifunctional peroxisomal enzyme deficiency (DBIF). Also called: DBP DEFICIENCY; PBFE DEFICIENCY; D-bifunctional protein deficiency. Identifiers: Orphanet 300, MedGen C0342870, MONDO:0009855, OMIM 261515. Disease mechanism: loss of function.

Submission:

Natera, Inc.
Classification: Likely pathogenic for Bifunctional peroxisomal enzyme deficiency. Last evaluated: 2025-09-04. Review status: criteria provided, single submitter. Criteria: Natera Variant Classification Schema (03/2026). Collection method: clinical testing. Allele origin: germline.
Comment: The c.277del variant in HSD17B4 is a frameshift variant predicted to shift the reading frame and introduce a stop codon. This variant is expected to result in nonsense mediated decay, truncation, or a dysfunctional protein product. This variant is rare in the general population with a frequency below the threshold expected for the associated phenotype(s). Given the available evidence, this variant is classified as Likely Pathogenic.